The following is an entry in ClinVar:

NM_001374259.2(IL12RB2):c.338T>C (p.Ile113Thr)

Gene: IL12RB2 (interleukin 12 receptor subunit beta 2; plus strand). Cytogenetic location: 1p31.3.
Variant type: single nucleotide variant.
Coding change: c.338T>C on transcript NM_001374259.2 (MANE Select); coding-DNA position 338, T replaced by C.
Protein change: p.Ile113Thr; replaces isoleucine 113 with threonine.
Molecular consequence: missense variant. On other transcripts: non-coding transcript variant (2).
Genome position (GRCh38, 1-based): chr1:67,321,863, T>C. VCF-style: chr1-67321863-T-C. GRCh37 (hg19) VCF-style: chr1-67787546-T-C.
Other names: c.338T>C, p.Ile113Thr (NM_001258214.1, NM_001258215.1, NM_001258216.1 and 2 more transcripts); c.338T>C (NM_001559.2); short protein forms I113T.
Identifiers: ClinVar variation 1367676 (VCV001367676.9), dbSNP rs2100601890, ClinGen allele CA340730904.
Genomic context (GRCh38, chr1:67,321,863, plus strand): 5'-CCCTTGGTACAACCTTGTTTGTCTGCAAACTGGCCTGTATCAATAGTGATGAAATTCAAA[T>C]ATGTGGAGCAGAGATCTTCGTTGGTGGTGAGCATTCCATTTTGAATTTTTAAAACTTGGT-3'
Protein context (NP_001361188.1, residues 103-123): LACINSDEIQ[Ile113Thr]CGAEIFVGVA

ClinVar aggregate classification (germline): Uncertain significance. Review status: criteria provided, multiple submitters, no conflicts (2 of 4 stars). 2 submissions from 2 submitters: Uncertain significance (2). Last evaluated 2021-10-12.

Submissions (2):

Ambry Genetics
Classification: Uncertain significance. Last evaluated: 2021-10-12. Review status: criteria provided, single submitter. Criteria: Ambry Variant Classification Scheme 2023. Collection method: clinical testing. Allele origin: germline.

Labcorp Genetics (formerly Invitae), Labcorp
Classification: Uncertain significance. Last evaluated: 2021-07-15. Review status: criteria provided, single submitter. Criteria: Invitae Variant Classification Sherloc (09022015). Collection method: clinical testing. Allele origin: germline.
Comment: In summary, the available evidence is currently insufficient to determine the role of this variant in disease. Therefore, it has been classified as a Variant of Uncertain Significance. Algorithms developed to predict the effect of missense changes on protein structure and function are either unavailable or do not agree on the potential impact of this missense change (SIFT: "Tolerated"; PolyPhen-2: "Possibly Damaging"; Align-GVGD: "Class C0"). This variant has not been reported in the literature in individuals affected with IL12RB2-related conditions. This sequence change replaces isoleucine with threonine at codon 113 of the IL12RB2 protein (p.Ile113Thr). The isoleucine residue is moderately conserved and there is a moderate physicochemical difference between isoleucine and threonine. This variant is not present in population databases (ExAC no frequency).